The following is an entry in ClinVar:

NM_152424.4(AMER1):c.372del (p.Cys125fs)

Gene: AMER1 (APC membrane recruitment protein 1; minus strand). Cytogenetic location: Xq11.2.
Variant type: Deletion.
Coding change: c.372del on transcript NM_152424.4 (MANE Select); coding-DNA position 372, one base deleted (C; older notation c.372delC).
Protein change: p.Cys125fs; shifts the reading frame from cysteine 125.
Molecular consequence: frameshift variant.
Genome position (GRCh38, 1-based): chrX:64,192,915, G deleted on the plus strand (C on the coding strand, the reverse complement: AMER1 is on the minus strand); the first of 3 consecutive G bases (chrX:64,192,915-64,192,917); deleting any one gives the same sequence. VCF-style (leftmost placement, unchanged base first): chrX-64192914-AG-A. GRCh37 (hg19) VCF-style: chrX-63412794-AG-A.
Other names: short protein forms C125fs.
Identifiers: ClinVar variation 1408152 (VCV001408152.6), dbSNP rs2147090694, ClinGen allele CA2573159019.

ClinVar aggregate classification (germline): Pathogenic (1 of 4 stars; one submission).

Submission:

Labcorp Genetics (formerly Invitae), Labcorp
Classification: Pathogenic. Last evaluated: 2022-03-02. Review status: criteria provided, single submitter. Criteria: Invitae Variant Classification Sherloc (09022015). Collection method: clinical testing. Allele origin: germline.
Comment: This variant is not present in population databases (gnomAD no frequency). This variant has not been reported in the literature in individuals affected with AMER1-related conditions. This variant disrupts a region of the AMER1 protein in which other variant(s) (p.Arg497*) have been determined to be pathogenic (Invitae). This suggests that this is a clinically significant region of the protein, and that variants that disrupt it are likely to be disease-causing. For these reasons, this variant has been classified as Pathogenic. This sequence change creates a premature translational stop signal (p.Cys125Alafs*45) in the AMER1 gene. While this is not anticipated to result in nonsense mediated decay, it is expected to disrupt the last 1011 amino acid(s) of the AMER1 protein.